The following is an entry in ClinVar:

ClinVar aggregate classification (germline): Benign (0 of 4 stars; one submission).

Conditions:
CEP170B-related disorder. Also called: CEP170B-related condition.

Allele frequency attached by ClinVar (database versions not stated): ESP Exome Variant Server 0.00049; TOPMed 0.00117; gnomAD 0.00128; ExAC 0.00221; 1000 Genomes Project 30x 0.00359; 1000 Genomes Project 0.00379.
gnomAD v4.1: 1,942 of 1,610,864 alleles (0.12%); highest among the groups gnomAD compares: East Asian, 1.6%; 16 homozygotes.

Submission:

PreventionGenetics, part of Exact Sciences
Classification: Benign for CEP170B-related condition. Last evaluated: 2019-05-13. Review status: no assertion criteria provided. Collection method: clinical testing. Allele origin: germline.
Comment: This variant is classified as benign based on ACMG/AMP sequence variant interpretation guidelines (Richards et al. 2015 PMID: 25741868, with internal and published modifications).

NM_001112726.3(CEP170B):c.893C>T (p.Pro298Leu)

Gene: CEP170B (centrosomal protein 170B; plus strand). Cytogenetic location: 14q32.33.
Variant type: single nucleotide variant.
Coding change: c.893C>T on transcript NM_001112726.3 (MANE Select); coding-DNA position 893, C replaced by T.
Protein change: p.Pro298Leu; replaces proline 298 with leucine.
Molecular consequence: missense variant.
Genome position (GRCh38, 1-based): chr14:104,883,350, C>T. VCF-style: chr14-104883350-C-T. GRCh37 (hg19) VCF-style: chr14-105349687-C-T.
Other names: c.683C>T, p.Pro228Leu (NM_015005.3); short protein forms P228L, P298L.
Identifiers: ClinVar variation 3041289 (VCV003041289.2), dbSNP rs201541467, ClinGen allele CA7375432.